The following is an entry in ClinVar:

NM_001161352.2(KCNMA1):c.179C>T (p.Ser60Leu)

Gene: KCNMA1 (potassium calcium-activated channel subfamily M alpha 1; minus strand). Cytogenetic location: 10q22.3.
Variant type: single nucleotide variant.
Coding change: c.179C>T on transcript NM_001161352.2 (MANE Select); coding-DNA position 179, C replaced by T.
Protein change: p.Ser60Leu; replaces serine 60 with leucine.
Molecular consequence: missense variant.
Genome position (GRCh38, 1-based): chr10:77,637,464, G>A on the plus strand (C>T on the coding strand, the complement: KCNMA1 is on the minus strand). VCF-style: chr10-77637464-G-A. GRCh37 (hg19) VCF-style: chr10-79397222-G-A.
Other names: c.179C>T, p.Ser60Leu (NM_001014797.3, NM_001161353.2, NM_001271518.2 and 12 more transcripts); c.179C>T (NM_002247.3); short protein forms S60L.
Identifiers: ClinVar variation 1402247 (VCV001402247.8), dbSNP rs768769748, ClinGen allele CA5568790.

ClinVar aggregate classification (germline): Conflicting classifications of pathogenicity. Review status: criteria provided, conflicting classifications (1 of 4 stars). 3 submissions from 3 submitters: Uncertain significance (2); Benign (1). Last evaluated 2025-03-03.

Conditions:
Inborn genetic diseases. Identifiers: MedGen C0950123, MeSH D030342.
Generalized epilepsy-paroxysmal dyskinesia syndrome (PNKD3). Also called: Paroxysmal nonkinesigenic dyskinesia, 3, with or without generalized epilepsy; Generalized epilepsy and paroxysmal dyskinesia. Identifiers: Orphanet 79137, MedGen C5574945, MONDO:0012276, OMIM 609446.

Allele frequency attached by ClinVar (database versions not stated): TOPMed below 0.00001.
gnomAD v4.1: 2 of 1,611,322 alleles (0.00012%); highest among the groups gnomAD compares: African/African-American, 0.0013%; no homozygotes.

Submissions (3):

Ambry Genetics
Classification: Uncertain significance for Inborn genetic diseases. Last evaluated: 2025-03-03. Review status: criteria provided, single submitter. Criteria: Ambry Variant Classification Scheme 2023. Collection method: clinical testing. Allele origin: germline.

Labcorp Genetics (formerly Invitae), Labcorp
Classification: Uncertain significance for Generalized epilepsy-paroxysmal dyskinesia syndrome. Last evaluated: 2024-08-30. Review status: criteria provided, single submitter. Criteria: Invitae Variant Classification Sherloc (09022015). Collection method: clinical testing. Allele origin: germline.
Comment: This sequence change replaces serine, which is neutral and polar, with leucine, which is neutral and non-polar, at codon 60 of the KCNMA1 protein (p.Ser60Leu). This variant is not present in population databases (gnomAD no frequency). This variant has not been reported in the literature in individuals affected with KCNMA1-related conditions. ClinVar contains an entry for this variant (Variation ID: 1402247). An algorithm developed to predict the effect of missense changes on protein structure and function outputs the following: PolyPhen-2: "Possibly Damaging". The leucine amino acid residue is found in multiple mammalian species, which suggests that this missense change does not adversely affect protein function. In summary, the available evidence is currently insufficient to determine the role of this variant in disease. Therefore, it has been classified as a Variant of Uncertain Significance.

Mendelics
Classification: Benign. Last evaluated: 2022-05-04. Review status: criteria provided, single submitter. Criteria: Mendelics Assertion Criteria 2019. Collection method: clinical testing. Allele origin: germline.